The following is an entry in ClinVar:

NM_181458.4(PAX3):c.85+2dup

Genes: CCDC140 (CCDC140 long non-coding RNA; plus strand), PAX3 (paired box 3; minus strand). Cytogenetic location: 2q36.1.
Variant type: Duplication.
Coding change: c.85+2dup on transcript NM_181458.4 (MANE Select); the canonical splice donor site of the intron after coding-DNA position 85, one base duplicated (T; older notation c.85+2dupT).
Molecular consequence: splice donor variant.
Genome position (GRCh38, 1-based): chr2:222,298,529, A duplicated on the plus strand (T on the coding strand, the reverse complement: PAX3 is on the minus strand). VCF-style (leftmost placement, unchanged base first): chr2-222298528-T-TA. GRCh37 (hg19) VCF-style: chr2-223163247-T-TA.
Other names: c.85+2dup (NM_001127366.3, NM_181460.4, NM_181461.4 and 4 more transcripts).
Identifiers: ClinVar variation 421240 (VCV000421240.1), dbSNP rs1553594554, ClinGen allele CA16617484.

ClinVar aggregate classification (germline): Likely pathogenic (1 of 4 stars; one submission).

Submission:

GeneDx
Classification: Likely pathogenic. Last evaluated: 2016-05-16. Review status: criteria provided, single submitter. Criteria: GeneDx Variant Classification (06012015). Collection method: clinical testing. Allele origin: germline. Affected: yes.
Comment: The c.85+2dupT variant in the PAX3 gene has not been reported previously as a pathogenic variant nor as a benign variant, to our knowledge. This splice site variant is predicted to destroy the canonical splice donor site in intron 1. It is predicted to cause abnormal gene splicing, either leading to an abnormal message that is subject to nonsense-mediated mRNA decay, or to an abnormal protein product if the message is used for protein translation. The c.85+2dupT variant was not observed in approximately 6,400 individuals of European and African American ancestry in the NHLBI Exome Sequencing Project, indicating it is not a common benign variant in these populations. The c.85+2dupT variant is a strong candidate for a pathogenic variant, however, the possibility it may be a rare benign variant cannot be excluded.